The following is an entry in ClinVar:

ClinVar aggregate classification (germline): Likely benign. Review status: criteria provided, multiple submitters, no conflicts (2 of 4 stars). 3 submissions from 3 submitters: Likely benign (2). 1 of the submissions does not count toward it. Last evaluated 2026-04-12.

Conditions:
DNAJC21-related disorder. Also called: DNAJC21-related condition.

Allele frequency attached by ClinVar (database versions not stated): gnomAD 0.00002 and 0.00009; TOPMed 0.00008; ExAC 0.00028; 1000 Genomes Project 30x 0.00078.
gnomAD v4.1: 251 of 1,573,004 alleles (0.016%); highest among the groups gnomAD compares: East Asian, 0.61%; 4 homozygotes.

Submissions (3):

PreventionGenetics, part of Exact Sciences
Classification: Likely benign for DNAJC21-related condition. Last evaluated: 2026-04-12. Review status: criteria provided, single submitter. Criteria: ACMG Guidelines, 2015. Collection method: clinical testing. Allele origin: germline.
Comment: This variant is classified as likely benign based on ACMG/AMP sequence variant interpretation guidelines (Richards et al. 2015 PMID: 25741868, with internal and published modifications).

Labcorp Genetics (formerly Invitae), Labcorp
Classification: Likely benign. Last evaluated: 2025-12-16. Review status: criteria provided, single submitter. Criteria: Invitae Variant Classification Sherloc (09022015). Collection method: clinical testing. Allele origin: germline.

Genetic Services Laboratory, University of Chicago
Classification: Uncertain significance. Last evaluated: 2022-06-24. Review status: no assertion criteria provided. Collection method: clinical testing. Allele origin: germline. Affected: no. Not counted in ClinVar's aggregate classification.
Comment: DNA sequence analysis of the DNAJC21 gene demonstrated a sequence change, c.50A>G, in exon 1 that results in an amino acid change, p.Glu17Gly. This sequence change does not appear to have been previously described in individuals with DNAJC21-related disorders. This sequence change has been described in the gnomAD database with a frequency of of 0.26% in the East Asian subpopulation and an overall frequency of 0.018% (dbSNP rs761693334). The p.Glu17Gly change affects a moderately conserved amino acid residue located in a domain of the DNAJC21 protein that is known to be functional. The p.Glu17Gly substitution appears to be benign using several in-silico pathogenicity prediction tools (SIFT, PolyPhen2, Align GVGD, REVEL). Due to insufficient evidences and the lack of functional studies, the clinical significance of the p.Glu17Gly change remains unknown at this time.

NM_001012339.3(DNAJC21):c.50A>G (p.Glu17Gly)

Genes: DNAJC21 (DnaJ heat shock protein family (Hsp40) member C21; plus strand), LOC129993792 (ATAC-STARR-seq lymphoblastoid silent region 15969; plus strand). Cytogenetic location: 5p13.2.
Variant type: single nucleotide variant.
Coding change: c.50A>G on transcript NM_001012339.3 (MANE Select); coding-DNA position 50, A replaced by G.
Protein change: p.Glu17Gly; replaces glutamic acid 17 with glycine.
Molecular consequence: missense variant.
Genome position (GRCh38, 1-based): chr5:34,929,869, A>G. VCF-style: chr5-34929869-A-G. GRCh37 (hg19) VCF-style: chr5-34929974-A-G.
Other names: c.50A>G, p.Glu17Gly (NM_001348420.2, NM_194283.4); c.50A>G (NM_001012339.2); short protein forms E17G.
Identifiers: ClinVar variation 798856 (VCV000798856.11), dbSNP rs761693334, ClinGen allele CA3228315.